The following is an entry in ClinVar:

ClinVar aggregate classification (germline): Uncertain significance. Review status: criteria provided, multiple submitters, no conflicts (2 of 4 stars). 2 submissions from 2 submitters: Uncertain significance (2). Last evaluated 2021-10-29.

Conditions:
Charcot-Marie-Tooth disease. Also called: Charcot-Marie-Tooth Hereditary Neuropathy; Charcot-Marie-Tooth Neuropathy. Identifiers: Orphanet 166, MedGen C0007959, MONDO:0015626.
Inborn genetic diseases. Identifiers: MedGen C0950123, MeSH D030342.

Submissions (2):

Ambry Genetics
Classification: Uncertain significance for Inborn genetic diseases. Last evaluated: 2021-10-29. Review status: criteria provided, single submitter. Criteria: Ambry Variant Classification Scheme 2023. Collection method: clinical testing. Allele origin: germline.
Comment: The p.N1462Y variant (also known as c.4384A>T), located in coding exon 32 of the SBF2 gene, results from an A to T substitution at nucleotide position 4384. The asparagine at codon 1462 is replaced by tyrosine, an amino acid with dissimilar properties. This amino acid position is not well conserved in available vertebrate species. In addition, the in silico prediction for this alteration is inconclusive. Since supporting evidence is limited at this time, the clinical significance of this alteration remains unclear.

Molecular Genetics Laboratory, London Health Sciences Centre
Classification: Uncertain significance for Charcot-Marie-Tooth disease. Review status: criteria provided, single submitter. Criteria: ACMG Guidelines, 2015. Collection method: clinical testing. Allele origin: germline. Affected: yes.

NM_030962.4(SBF2):c.4384A>T (p.Asn1462Tyr)

Genes: SBF2-AS1 (SBF2 antisense RNA 1; plus strand), SBF2 (SET binding factor 2; minus strand). Cytogenetic location: 11p15.4.
Variant type: single nucleotide variant.
Coding change: c.4384A>T on transcript NM_030962.4 (MANE Select); coding-DNA position 4384, A replaced by T.
Protein change: p.Asn1462Tyr; replaces asparagine 1462 with tyrosine.
Molecular consequence: missense variant. On other transcripts: non-coding transcript variant (1).
Genome position (GRCh38, 1-based): chr11:9,808,059, T>A on the plus strand (A>T on the coding strand, the complement: SBF2 is on the minus strand). VCF-style: chr11-9808059-T-A. GRCh37 (hg19) VCF-style: chr11-9829606-T-A.
Other names: c.4480A>T, p.Asn1494Tyr (NM_001386339.1); c.4255A>T, p.Asn1419Tyr (NM_001386342.1); short protein forms N1462Y, N1419Y, N1494Y.
Identifiers: ClinVar variation 916935 (VCV000916935.3), dbSNP rs1853953374, ClinGen allele CA379639590.